The following is an entry in ClinVar:

ClinVar aggregate classification (germline): Uncertain significance (1 of 4 stars; one submission).

Conditions:
Pulmonary fibrosis and/or bone marrow failure, Telomere-related, 3. Also called: PULMONARY FIBROSIS AND/OR BONE MARROW FAILURE SYNDROME, TELOMERE-RELATED, 3. Identifiers: Orphanet 2032, MedGen C4225346, MONDO:0014613, OMIM 616373.
Dyskeratosis congenita, autosomal recessive 5 (DKCB5). Identifiers: MedGen C3554656, MONDO:0014076, OMIM 615190.

Submission:

Labcorp Genetics (formerly Invitae), Labcorp
Classification: Uncertain significance for Dyskeratosis congenita, autosomal recessive 5; Pulmonary fibrosis and/or bone marrow failure, Telomere-related, 3. Last evaluated: 2022-08-02. Review status: criteria provided, single submitter. Criteria: Invitae Variant Classification Sherloc (09022015). Collection method: clinical testing. Allele origin: germline.
Comment: In summary, the available evidence is currently insufficient to determine the role of this variant in disease. Therefore, it has been classified as a Variant of Uncertain Significance. Variants that disrupt the consensus splice site are a relatively common cause of aberrant splicing (PMID: 17576681, 9536098). Algorithms developed to predict the effect of sequence changes on RNA splicing suggest that this variant is not likely to affect RNA splicing. This variant has not been reported in the literature in individuals affected with RTEL1-related conditions. This variant is not present in population databases (gnomAD no frequency). This sequence change falls in intron 15 of the RTEL1 gene. It does not directly change the encoded amino acid sequence of the RTEL1 protein. It affects a nucleotide within the consensus splice site.

Literature cited by the submitters: PubMed 17576681; PubMed 9536098.

NM_001283009.2(RTEL1):c.1266+6G>A

Genes: RTEL1 (regulator of telomere elongation helicase 1; plus strand), RTEL1-TNFRSF6B (RTEL1-TNFRSF6B readthrough (NMD candidate); plus strand). Cytogenetic location: 20q13.33.
Variant type: single nucleotide variant.
Coding change: c.1266+6G>A on transcript NM_001283009.2 (MANE Select); 6 bases into the intron after coding-DNA position 1266, G replaced by A.
Molecular consequence: intron variant.
Genome position (GRCh38, 1-based): chr20:63,685,603, G>A. VCF-style: chr20-63685603-G-A. GRCh37 (hg19) VCF-style: chr20-62316956-G-A.
Other names: c.597+6G>A (NM_001283010.1); c.1338+6G>A (NM_032957.5); c.1266+6G>A (NM_016434.4).
Identifiers: ClinVar variation 2148771 (VCV002148771.4), dbSNP rs761361871, ClinGen allele CA2580098433.
Genomic context (GRCh38, chr20:63,685,603, plus strand): 5'-CTCCGAGGGCAGCCCTGGTTCCCCAGCAGGGCTGGGGGCCTTACAGTCCTATAAGGTAGG[G>A]GCCACCTCCAGGAGGCAGGTGGAGGGCAGCCCTTGTTCCCCGGCAGGGCTGGGGGCCTTA-3'